The following is an entry in ClinVar:

NM_004415.4(DSP):c.2847A>T (p.Lys949Asn)

Gene: DSP (desmoplakin; plus strand). Cytogenetic location: 6p24.3.
Variant type: single nucleotide variant.
Coding change: c.2847A>T on transcript NM_004415.4 (MANE Select); coding-DNA position 2847, A replaced by T.
Protein change: p.Lys949Asn; replaces lysine 949 with asparagine.
Molecular consequence: missense variant.
Genome position (GRCh38, 1-based): chr6:7,577,012, A>T. VCF-style: chr6-7577012-A-T. GRCh37 (hg19) VCF-style: chr6-7577245-A-T.
Other names: c.2847A>T, p.Lys949Asn (NM_001008844.3, NM_001319034.2); short protein forms K949N.
Identifiers: ClinVar variation 3751657 (VCV003751657.2).

ClinVar aggregate classification (germline): Uncertain significance (1 of 4 stars; one submission).

Conditions:
Arrhythmogenic right ventricular dysplasia 8 (ARVD8). Also called: Arrhythmogenic Right Ventricular Dysplasia/Cardiomyopathy 8; ARRHYTHMOGENIC RIGHT VENTRICULAR DYSPLASIA, FAMILIAL, 8; ARRHYTHMOGENIC RIGHT VENTRICULAR CARDIOMYOPATHY 8. Identifiers: MedGen C1843896, MONDO:0011831, OMIM 607450.
Arrhythmogenic cardiomyopathy with wooly hair and keratoderma. Also called: PALMOPLANTAR KERATODERMA WITH LEFT VENTRICULAR CARDIOMYOPATHY AND WOOLLY HAIR; Carvajal syndrome; Dilated cardiomyopathy with woolly hair and keratoderma; Arrhythmogenic cardiomyopathy with woolly hair and keratoderma. Identifiers: Orphanet 65282, MedGen C1854063, MONDO:0011581, OMIM 605676.

Submission:

Labcorp Genetics (formerly Invitae), Labcorp
Classification: Uncertain significance for Arrhythmogenic cardiomyopathy with wooly hair and keratoderma; Arrhythmogenic right ventricular dysplasia 8. Last evaluated: 2024-11-03. Review status: criteria provided, single submitter. Criteria: Invitae Variant Classification Sherloc (09022015). Collection method: clinical testing. Allele origin: germline.
Comment: This sequence change replaces lysine, which is basic and polar, with asparagine, which is neutral and polar, at codon 949 of the DSP protein (p.Lys949Asn). This variant is not present in population databases (gnomAD no frequency). This variant has not been reported in the literature in individuals affected with DSP-related conditions. An algorithm developed to predict the effect of missense changes on protein structure and function (PolyPhen-2) suggests that this variant is likely to be disruptive. In summary, the available evidence is currently insufficient to determine the role of this variant in disease. Therefore, it has been classified as a Variant of Uncertain Significance.